The following is an entry in ClinVar:

ClinVar aggregate classification (germline): Uncertain significance (1 of 4 stars; one submission).

Conditions:
RYR1-related disorder. Also called: RYR1-related condition; RYR1-related disorders. Identifiers: MedGen CN239331.

Allele frequency attached by ClinVar (database versions not stated): TOPMed below 0.00001; ExAC 0.00001.
gnomAD v4.1: 9 of 1,613,946 alleles (0.00056%); highest among the groups gnomAD compares: Non-Finnish European, 0.00076%; no homozygotes.

Submission:

PreventionGenetics, part of Exact Sciences
Classification: Uncertain significance for RYR1-related condition. Last evaluated: 2023-01-06. Review status: criteria provided, single submitter. Criteria: ACMG Guidelines, 2015. Collection method: clinical testing. Allele origin: germline.
Comment: The RYR1 c.934T>C variant is predicted to result in the amino acid substitution p.Ser312Pro. To our knowledge, this variant has not been reported in the literature. This variant is reported in 0.00088% of alleles in individuals of European (Non-Finnish) descent in gnomAD. At this time, the clinical significance of this variant is uncertain due to the absence of conclusive functional and genetic evidence.

NM_000540.3(RYR1):c.934T>C (p.Ser312Pro)

Gene: RYR1 (ryanodine receptor 1; plus strand). Cytogenetic location: 19q13.2.
Variant type: single nucleotide variant.
Coding change: c.934T>C on transcript NM_000540.3 (MANE Select); coding-DNA position 934, T replaced by C.
Protein change: p.Ser312Pro; replaces serine 312 with proline.
Molecular consequence: missense variant.
Genome position (GRCh38, 1-based): chr19:38,448,488, T>C. VCF-style: chr19-38448488-T-C. GRCh37 (hg19) VCF-style: chr19-38939128-T-C.
Other names: c.934T>C, p.Ser312Pro (NM_001042723.2); short protein forms S312P.
Identifiers: ClinVar variation 2630043 (VCV002630043.1), dbSNP rs765117392, ClinGen allele CA073507.